The following is an entry in ClinVar:

ClinVar aggregate classification (germline): Uncertain significance. Review status: criteria provided, multiple submitters, no conflicts (2 of 4 stars). 2 submissions from 2 submitters: Uncertain significance (2). Last evaluated 2025-02-18.

Conditions:
Brugada syndrome 5 (BRGDA5). Identifiers: Orphanet 130, Orphanet 871, MedGen C2748541, MONDO:0013015, OMIM 612838.

gnomAD v4.1: 2 of 1,561,736 alleles (0.00013%); highest among the groups gnomAD compares: Admixed American, 0.0019%; no homozygotes.

Submissions (2):

Labcorp Genetics (formerly Invitae), Labcorp
Classification: Uncertain significance for Brugada syndrome 5. Last evaluated: 2025-02-18. Review status: criteria provided, single submitter. Criteria: Invitae Variant Classification Sherloc (09022015). Collection method: clinical testing. Allele origin: germline.
Comment: This sequence change replaces proline, which is neutral and non-polar, with serine, which is neutral and polar, at codon 213 of the SCN1B protein (p.Pro213Ser). This variant is not present in population databases (gnomAD no frequency). This variant has not been reported in the literature in individuals affected with SCN1B-related conditions. ClinVar contains an entry for this variant (Variation ID: 928587). An algorithm developed to predict the effect of missense changes on protein structure and function outputs the following: PolyPhen-2: "Benign". The serine amino acid residue is found in multiple mammalian species, which suggests that this missense change does not adversely affect protein function. In summary, the available evidence is currently insufficient to determine the role of this variant in disease. Therefore, it has been classified as a Variant of Uncertain Significance.

Women's Health and Genetics/Laboratory Corporation of America, LabCorp
Classification: Uncertain significance. Last evaluated: 2019-10-08. Review status: criteria provided, single submitter. Criteria: LabCorp Variant Classification Summary - May 2015. Collection method: clinical testing. Allele origin: germline.
Comment: Variant summary: SCN1B c.637C>T (p.Pro213Ser) results in a non-conservative amino acid change in the encoded protein sequence. Four of five in-silico tools predict a benign effect of the variant on protein function. The variant allele was found at a frequency of 6e-06 in 166888 control chromosomes. The available data on variant occurrences in the general population are insufficient to allow any conclusion about variant significance. To our knowledge, no occurrence of c.637C>T in individuals affected with Arrhythmia and no experimental evidence demonstrating its impact on protein function have been reported. No clinical diagnostic laboratories have submitted clinical-significance assessments for this variant to ClinVar after 2014. Based on the evidence outlined above, the variant was classified as uncertain significance.

NM_001037.5(SCN1B):c.448+189C>T

Gene: SCN1B (sodium voltage-gated channel beta subunit 1; plus strand). Cytogenetic location: 19q13.11.
Variant type: single nucleotide variant.
Coding change: c.448+189C>T on transcript NM_001037.5 (MANE Select); 189 bases into the intron after coding-DNA position 448, C replaced by T.
Molecular consequence: intron variant. On other transcripts: missense variant (1).
Genome position (GRCh38, 1-based): chr19:35,033,928, C>T. VCF-style: chr19-35033928-C-T. GRCh37 (hg19) VCF-style: chr19-35524832-C-T.
Other names: c.637C>T, p.Pro213Ser (NM_199037.5); c.349+189C>T (NM_001321605.2); short protein forms P213S.
Identifiers: ClinVar variation 928587 (VCV000928587.2), dbSNP rs766373298, ClinGen allele CA405329536.